The following is an entry in ClinVar:

ClinVar aggregate classification (germline): Pathogenic/Likely pathogenic. Review status: criteria provided, multiple submitters, no conflicts (2 of 4 stars). 2 submissions from 2 submitters: Pathogenic (1); Likely pathogenic (1). Last evaluated 2025-01-10.

Conditions:
Niemann-Pick disease, type C (NPC). Identifiers: Orphanet 646, MedGen C0220756, MONDO:0018982.
Niemann-Pick disease, type C1. Also called: NEUROVISCERAL STORAGE DISEASE WITH VERTICAL SUPRANUCLEAR OPHTHALMOPLEGIA; NIEMANN-PICK DISEASE WITH CHOLESTEROL ESTERIFICATION BLOCK; NIEMANN-PICK DISEASE WITHOUT SPHINGOMYELINASE DEFICIENCY; NIEMANN-PICK DISEASE, CHRONIC NEURONOPATHIC FORM; NIEMANN-PICK DISEASE, VARIANT TYPE C1. Identifiers: Orphanet 646, MedGen C3179455, MONDO:0009757, OMIM 257220.

Submissions (2):

Natera, Inc.
Classification: Likely pathogenic for Niemann-Pick disease type C1. Last evaluated: 2025-01-10. Review status: criteria provided, single submitter. Criteria: Natera Variant Classification Schema (03/2026). Collection method: clinical testing. Allele origin: germline.
Comment: The c.2279_2281delTCT variant in NPC1 is an in-frame deletion predicted to remove phenylalanine at amino acid 760 while preserving the reading frame. This variant is rare in the general population with a frequency below the threshold expected for the associated phenotype(s). This variant has been observed in one or more individuals affected with the associated recessive disease, as either homozygous or compound heterozygous with a second variant (PMID: 19206179, 33732620, 35455589). This variant has been observed to segregate in affected family members (PMID: 19206179, 33732620). This variant results in a change to the protein length while preserving reading frame, which may disrupt normal protein structure or function. Given the available evidence, this variant is classified as Likely Pathogenic.

Women's Health and Genetics/Laboratory Corporation of America, LabCorp
Classification: Pathogenic for Niemann-Pick disease, type C. Last evaluated: 2023-08-08. Review status: criteria provided, single submitter. Criteria: LabCorp Variant Classification Summary - May 2015. Collection method: clinical testing. Allele origin: germline.
Comment: Variant summary: NPC1 c.2279_2281delTCT (p.Phe760del) results in an in-frame deletion that is predicted to remove 1 amino acids from the Sterol-sensing domain (IPR000731) of the encoded protein. The variant was absent in 251454 control chromosomes. c.2279_2281delTCT has been reported in the literature in multiple homozygous individuals affected with Niemann-Pick Disease Type C (Spiegel_2009) and has been shown to segregate with disease. These data indicate that the variant is very likely to be associated with disease . To our knowledge, no experimental evidence demonstrating an impact on protein function has been reported. The following publication have been ascertained in the context of this evaluation (PMID: 19206179). No submitters have cited clinical-significance assessments for this variant to ClinVar after 2014. Based on the evidence outlined above, the variant was classified as pathogenic.

Literature cited by the submitters: PubMed 19206179 (cited by Natera, Inc. and Women's Health and Genetics/Laboratory Corporation of America, LabCorp); PubMed 33732620 (cited by Natera, Inc.); PubMed 35455589 (cited by Natera, Inc.).

NM_000271.5(NPC1):c.2279_2281del (p.Phe760del)

Gene: NPC1 (NPC intracellular cholesterol transporter 1; minus strand). Cytogenetic location: 18q11.2.
Variant type: Deletion.
Coding change: c.2279_2281del on transcript NM_000271.5 (MANE Select); coding-DNA positions 2279 to 2281, 3 bases deleted (TCT; older notation c.2279_2281delTCT).
Protein change: p.Phe760del; deletes phenylalanine 760.
Molecular consequence: inframe deletion.
Genome position (GRCh38, 1-based): chr18:23,541,398-23,541,400, AGA deleted on the plus strand (TCT on the coding strand, the reverse complement: NPC1 is on the minus strand); deleting any 3 consecutive bases within chr18:23,541,398-23,541,402 gives the same sequence; the c. name uses the placement nearest the transcript's 3' end. VCF-style (leftmost placement, unchanged base first): chr18-23541397-GAGA-G. GRCh37 (hg19) VCF-style: chr18-21121361-GAGA-G.
Other names: short protein forms F760del.
Identifiers: ClinVar variation 2581553 (VCV002581553.2), dbSNP rs2058711926, ClinGen allele CA2290166650.